The following continues an entry in ClinVar:

NM_001360.3(DHCR7):c.461C>G (p.Thr154Arg)

Gene: DHCR7. ClinVar aggregate classification (germline): Pathogenic/Likely pathogenic. Pathogenic (9); Likely pathogenic (6).

Submissions 11 to 17 of 17:

Ambry Genetics
Classification: Pathogenic for Inborn genetic diseases. Last evaluated: 2021-07-13. Review status: criteria provided, single submitter. Criteria: Ambry Variant Classification Scheme 2023. Collection method: clinical testing. Allele origin: germline.
Comment: The c.461C>G (p.T154R) alteration is located in exon 6 (coding exon 4) of the DHCR7 gene. This alteration results from a C to G substitution at nucleotide position 461, causing the threonine (T) at amino acid position 154 to be replaced by an arginine (R). Based on data from the Genome Aggregation Database (gnomAD) database, the DHCR7 c.461C>G alteration was observed in 0.01% (25/281248) of total alleles studied, with a frequency of 0.02% (22/127708) in the European (non-Finnish) subpopulation. This mutation has been detected in four individuals with Smith-Lemli-Opitz syndrome (SLOS); three of the individuals carried another pathogenic mutation although the phase of these alterations was unknown (Witsch-Baumgartner, 2001; Correa-Cerro, 2005; Scalco, 2005; Haas, 2007). Based on our internal structural analysis, this mutation is predicted to be more destabilizing than nearby known pathogenic variants (Li, 2015). The p.T154R alteration is predicted to be deleterious by in silico analysis. Based on the available evidence, this alteration is classified as pathogenic.

Revvity Omics, Revvity
Classification: Likely pathogenic for Smith-Lemli-Opitz syndrome. Last evaluated: 2021-04-21. Review status: criteria provided, single submitter. Criteria: ACMG Guidelines, 2015. Collection method: clinical testing. Allele origin: germline.

Women's Health and Genetics/Laboratory Corporation of America, LabCorp
Classification: Pathogenic for Smith-Lemli-Opitz syndrome. Last evaluated: 2021-03-26. Review status: criteria provided, single submitter. Criteria: LabCorp Variant Classification Summary - May 2015. Collection method: clinical testing. Allele origin: germline.
Comment: Variant summary: DHCR7 c.461C>G (p.Thr154Arg) results in a non-conservative amino acid change located in the membrane-associated helix (MAH 3, Waterham_2012) of the encoded protein sequence . Five of five in-silico tools predict a damaging effect of the variant on protein function. The variant allele was found at a frequency of 4e-05 in 774648 control chromosomes (gnomAD and publication data). This frequency is not higher than expected for a pathogenic variant in DHCR7 causing Smith-Lemli-Opitz Syndrome (4e-05 vs 0.0043), allowing no conclusion about variant significance. c.461C>G has been reported in the literature in multiple individuals affected with Smith-Lemli-Opitz Syndrome (Witsch-Baumgartner_2001, Correa-Cerro__2005, Scalco_2005, Haas_2007, Boland_2016). These data indicate that the variant is very likely to be associated with disease. Additionally, another variant at the same residue T154M has been observed in affected SLOS individuals (Witsch-Baumgartner_2001, Correa-Cerro__2005, Boland_2016), suggesting that the variant is clinically significant. To our knowledge, no experimental evidence demonstrating an impact on protein function has been reported. Six ClinVar submitters (evaluation after 2014) cite the variant as pathogenic (n=2) and likely pathogenic (n=4). Based on the evidence outlined above, the variant was classified as pathogenic.

Illumina Laboratory Services, Illumina
Classification: Likely pathogenic for Smith-Lemli-Opitz syndrome. Last evaluated: 2018-08-16. Review status: criteria provided, single submitter. Criteria: ICSL Variant Classification Criteria 09 May 2019. Collection method: clinical testing. Allele origin: germline.
Comment: The DHCR7 c.461C>G (p.Thr154Arg) missense variant has been reported in at least four studies in which it is found in a total of four patients with either diagnosed or suspected Smith-Lemli-Opitz syndrome. The variant was present in three patients in a compound heterozygous state and in one patient in a heterozygous state, in whom it is not clear if a second variant was present (Witsch-Baumgartner et al. 2001; Correa-Cerro et al. 2005; Scalco et al. 2005; Haas et al. 2007). The p.Thr154Arg variant was also identified in a heterozygous state in six unaffected individuals in a large cohort undergoing routine carrier screening using next generation sequencing (Lazarin et al. 2017). Control data are unavailable for this variant, which is reported at a frequency of 0.00035 in the European American population of the Exome Sequencing Project. Based on the evidence, the p.Thr154Arg variant is classified as likely pathogenic for Smith-Lemli-Opitz syndrome. This variant was observed by ICSL as part of a predisposition screen in an ostensibly healthy population.

Eurofins Ntd Llc (ga)
Classification: Likely pathogenic. Last evaluated: 2017-01-12. Review status: criteria provided, single submitter. Criteria: EGL Classification Definitions. Collection method: clinical testing. Allele origin: germline. Observed: 4 variant alleles, 4 heterozygotes.

Counsyl
Classification: Likely pathogenic for Smith-Lemli-Opitz syndrome. Last evaluated: 2017-02-24. Review status: no assertion criteria provided. Collection method: clinical testing. Allele origin: unknown. Not counted in ClinVar's aggregate classification.

Division of Human Genetics, Children's Hospital of Philadelphia
Classification: Likely pathogenic for Smith-Lemli-Opitz syndrome. Last evaluated: 2016-04-27. Review status: no assertion criteria provided. Collection method: research. Allele origin: germline. Study: CSER-PediSeq. Not counted in ClinVar's aggregate classification.

Literature cited by the submitters: PubMed 20301322 (cited by Victorian Clinical Genetics Services, Murdoch Childrens Research Institute); PubMed 11175299 (cited by 6 submitters); PubMed 15952211 (cited by 8 submitters); PubMed 15805162 (cited by 9 submitters); PubMed 35305950 (cited by Victorian Clinical Genetics Services, Murdoch Childrens Research Institute); PubMed 17237122 (cited by 8 submitters); PubMed 20694756 (cited by Labcorp Genetics (formerly Invitae), Labcorp and Counsyl); PubMed 10677299 (cited by 3 submitters); PubMed 10995508 (cited by 3 submitters); PubMed 11427181 (cited by Labcorp Genetics (formerly Invitae), Labcorp); PubMed 15896653 (cited by Labcorp Genetics (formerly Invitae), Labcorp); PubMed 18249054 (cited by Labcorp Genetics (formerly Invitae), Labcorp); PubMed 22391996 (cited by Labcorp Genetics (formerly Invitae), Labcorp); PubMed 27401223 (cited by Variantyx, Inc. and Women's Health and Genetics/Laboratory Corporation of America, LabCorp); PubMed 25307054 (cited by Ambry Genetics); PubMed 12914579 (cited by Women's Health and Genetics/Laboratory Corporation of America, LabCorp); PubMed 23042628 (cited by Women's Health and Genetics/Laboratory Corporation of America, LabCorp); PubMed 11241839 (cited by Women's Health and Genetics/Laboratory Corporation of America, LabCorp and Counsyl); PubMed 15670717 (cited by Women's Health and Genetics/Laboratory Corporation of America, LabCorp); PubMed 24813812 (cited by Women's Health and Genetics/Laboratory Corporation of America, LabCorp); PubMed 29300326 (cited by Women's Health and Genetics/Laboratory Corporation of America, LabCorp); PubMed 16207203 (cited by Women's Health and Genetics/Laboratory Corporation of America, LabCorp); PubMed 28166604 (cited by Women's Health and Genetics/Laboratory Corporation of America, LabCorp and Illumina Laboratory Services, Illumina); PubMed 25734025 (cited by Women's Health and Genetics/Laboratory Corporation of America, LabCorp); PubMed 29907799 (cited by Women's Health and Genetics/Laboratory Corporation of America, LabCorp); PubMed 28503313 (cited by Women's Health and Genetics/Laboratory Corporation of America, LabCorp).